The following is an entry in ClinVar:

ClinVar aggregate classification (germline): Uncertain significance (1 of 4 stars; one submission).

Submission:

Ambry Genetics
Classification: Uncertain significance. Last evaluated: 2026-03-15. Review status: criteria provided, single submitter. Criteria: Ambry Variant Classification Scheme 2023. Collection method: clinical testing. Allele origin: germline.
Comment: The p.G239S variant (also known as c.715G>A), located in coding exon 1 of the MC1R gene, results from a G to A substitution at nucleotide position 715. The glycine at codon 239 is replaced by serine, an amino acid with similar properties. This amino acid position is conserved. In addition, the in silico prediction for this alteration is inconclusive. Based on the available evidence, the clinical significance of this variant remains unclear.

NM_002386.4(MC1R):c.715G>A (p.Gly239Ser)

Gene: MC1R (melanocortin 1 receptor; plus strand). Cytogenetic location: 16q24.3.
Variant type: single nucleotide variant.
Coding change: c.715G>A on transcript NM_002386.4 (MANE Select); coding-DNA position 715, G replaced by A.
Protein change: p.Gly239Ser; replaces glycine 239 with serine.
Molecular consequence: missense variant.
Genome position (GRCh38, 1-based): chr16:89,919,973, G>A. VCF-style: chr16-89919973-G-A. GRCh37 (hg19) VCF-style: chr16-89986381-G-A.
Other names: short protein forms G239S.
Identifiers: ClinVar variation 4859636 (VCV004859636.1).